The following is an entry in ClinVar:

NM_001205293.3(CACNA1E):c.5531C>G (p.Pro1844Arg)

Gene: CACNA1E (calcium voltage-gated channel subunit alpha1 E; plus strand). Cytogenetic location: 1q25.3.
Variant type: single nucleotide variant.
Coding change: c.5531C>G on transcript NM_001205293.3 (MANE Select); coding-DNA position 5531, C replaced by G.
Protein change: p.Pro1844Arg; replaces proline 1844 with arginine.
Molecular consequence: missense variant.
Genome position (GRCh38, 1-based): chr1:181,784,721, C>G. VCF-style: chr1-181784721-C-G. GRCh37 (hg19) VCF-style: chr1-181753857-C-G.
Other names: c.5531C>G, p.Pro1844Arg (NM_000721.4); c.5474C>G, p.Pro1825Arg (NM_001205294.2); short protein forms P1825R, P1844R.
Identifiers: ClinVar variation 4975240 (VCV004975240.1).
Genomic context (GRCh38, chr1:181,784,721, plus strand): 5'-GTGGTGCAGACAGGCAGCAGCTAGACTCAGAGCTACAAAAGGAGACCCTAGCCATCTGGC[C>G]TCACCTATCCCAGAAGATGCTGGATCTGCTTGTGCCCATGCCCAAAGGTTTGGGTCTTCT-3'
Protein context (NP_001192222.1, residues 1834-1854): ELQKETLAIW[Pro1844Arg]HLSQKMLDLL

ClinVar aggregate classification (germline): Uncertain significance (1 of 4 stars; one submission).

Submission:

GeneDx
Classification: Uncertain significance. Last evaluated: 2026-02-12. Review status: criteria provided, single submitter. Criteria: GeneDx Variant Classification Process June 2021. Collection method: clinical testing. Allele origin: germline.
Comment: In silico analysis supports that this missense variant has a deleterious effect on protein structure/function; Has not been previously published as pathogenic or benign to our knowledge